The following is an entry in ClinVar:

ClinVar aggregate classification (germline): Uncertain significance. Review status: criteria provided, multiple submitters, no conflicts (2 of 4 stars). 4 submissions from 4 submitters: Uncertain significance (4). Last evaluated 2025-02-10.

Conditions:
Cardiomyopathy (CMYO). Also called: Cardiomyopathies. Identifiers: Orphanet 167848, MedGen C0878544, MONDO:0004994, HP:0001638. Inheritance: Various modes of inheritance.
Cardiomyopathy, familial restrictive, 3. Identifiers: Orphanet 75249, MedGen C2676271, MONDO:0012900, OMIM 612422.
Hypertrophic cardiomyopathy 2. Also called: TNNT2-Related Familial Hypertrophic Cardiomyopathy. Identifiers: MedGen C1861864, MONDO:0007266, OMIM 115195.
Dilated cardiomyopathy 1D. Identifiers: Orphanet 154, Orphanet 54260, MedGen C1832243, MONDO:0011095, OMIM 601494.

Allele frequency attached by ClinVar (database versions not stated): TOPMed below 0.00001; gnomAD exomes 0.00001; ExAC 0.00003.

Submissions (4):

Women's Health and Genetics/Laboratory Corporation of America, LabCorp
Classification: Uncertain significance. Last evaluated: 2025-02-10. Review status: criteria provided, single submitter. Criteria: LabCorp Variant Classification Summary - May 2015. Collection method: clinical testing. Allele origin: germline.
Comment: Variant summary: TNNT2 c.82G>A (p.Ala28Thr) results in a non-conservative amino acid change in the encoded protein sequence. Three of five in-silico tools predict a benign effect of the variant on protein function. The variant allele was found at a frequency of 2.4e-05 in 251432 control chromosomes. The available data on variant occurrences in the general population are insufficient to allow any conclusion about variant significance. c.82G>A has been reported in the literature in individuals affected with Cardiomyopathy (Kurzlechner_2022). These report(s) do not provide unequivocal conclusions about association of the variant with Cardiomyopathy. To our knowledge, no experimental evidence demonstrating an impact on protein function has been reported. The following publication have been ascertained in the context of this evaluation (PMID: 35629155). ClinVar contains an entry for this variant (Variation ID: 2922364). Based on the evidence outlined above, the variant was classified as uncertain significance.

All of Us Research Program, National Institutes of Health
Classification: Uncertain significance for Cardiomyopathy. Last evaluated: 2024-08-23. Review status: criteria provided, single submitter. Criteria: ACMG Guidelines, 2015. Collection method: clinical testing. Allele origin: germline. Inheritance: Autosomal dominant inheritance. Observed: 1 variant allele, 1 heterozygote.
Comment: This missense variant replaces alanine with threonine at codon 28 of the TNNT2 protein. Computational prediction tools indicate that this variant has a neutral impact on protein structure and function. To our knowledge, functional studies have not been reported for this variant. This variant has not been reported in individuals affected with TNNT2-related disorders in the literature. This variant has been identified in 6/251432 chromosomes in the general population by the Genome Aggregation Database (gnomAD). The available evidence is insufficient to determine the role of this variant in disease conclusively. Therefore, this variant is classified as a Variant of Uncertain Significance.

This study involves interpretation of variants in research participants for the purpose of population health screening. Participant phenotype was not available at the time of variant classification. Additional details can be found in publication PMID: 35346344, PMCID: PMC8962531

Color Diagnostics, LLC DBA Color Health
Classification: Uncertain significance for Cardiomyopathy. Last evaluated: 2024-08-13. Review status: criteria provided, single submitter. Criteria: ACMG Guidelines, 2015. Collection method: clinical testing. Allele origin: germline.
Comment: This missense variant replaces alanine with threonine at codon 28 of the TNNT2 protein. Computational prediction tools indicate that this variant has a neutral impact on protein structure and function. To our knowledge, functional studies have not been reported for this variant. This variant has not been reported in individuals affected with TNNT2-related disorders in the literature. This variant has been identified in 6/251432 chromosomes in the general population by the Genome Aggregation Database (gnomAD). The available evidence is insufficient to determine the role of this variant in disease conclusively. Therefore, this variant is classified as a Variant of Uncertain Significance.

Labcorp Genetics (formerly Invitae), Labcorp
Classification: Uncertain significance for Cardiomyopathy, familial restrictive, 3; Hypertrophic cardiomyopathy 2; Dilated cardiomyopathy 1D. Last evaluated: 2024-01-17. Review status: criteria provided, single submitter. Criteria: Invitae Variant Classification Sherloc (09022015). Collection method: clinical testing. Allele origin: germline.
Comment: This sequence change replaces alanine, which is neutral and non-polar, with threonine, which is neutral and polar, at codon 28 of the TNNT2 protein (p.Ala28Thr). This variant is present in population databases (rs770771962, gnomAD 0.01%). This variant has not been reported in the literature in individuals affected with TNNT2-related conditions. Advanced modeling of protein sequence and biophysical properties (such as structural, functional, and spatial information, amino acid conservation, physicochemical variation, residue mobility, and thermodynamic stability) has been performed at Invitae for this missense variant, however the output from this modeling did not meet the statistical confidence thresholds required to predict the impact of this variant on TNNT2 protein function. In summary, the available evidence is currently insufficient to determine the role of this variant in disease. Therefore, it has been classified as a Variant of Uncertain Significance.

Literature cited by the submitters: PubMed 35629155 (cited by Women's Health and Genetics/Laboratory Corporation of America, LabCorp).

NM_001276345.2(TNNT2):c.112G>A (p.Ala38Thr)

Gene: TNNT2 (troponin T2, cardiac type; minus strand). Cytogenetic location: 1q32.1.
Variant type: single nucleotide variant.
Coding change: c.112G>A on transcript NM_001276345.2 (MANE Select); coding-DNA position 112, G replaced by A.
Protein change: p.Ala38Thr; replaces alanine 38 with threonine.
Molecular consequence: missense variant.
Genome position (GRCh38, 1-based): chr1:201,368,213, C>T on the plus strand (G>A on the coding strand, the complement: TNNT2 is on the minus strand). VCF-style: chr1-201368213-C-T. GRCh37 (hg19) VCF-style: chr1-201337341-C-T.
Other names: c.112G>A, p.Ala38Thr (NM_000364.4, NM_001276346.2, NM_001406723.1); c.82G>A, p.Ala28Thr (NM_001001430.3, NM_001001431.3, NM_001276347.2 and 4 more transcripts); c.67G>A, p.Ala23Thr (NM_001001432.3, NM_001406728.1); short protein forms A28T, A38T, A23T.
Identifiers: ClinVar variation 2922364 (VCV002922364.6), dbSNP rs770771962, ClinGen allele CA088724.
Genomic context (GRCh38, chr1:201,368,213, plus strand): 5'-GAGACTTACCTTCTGCCCTGGTCTCCTCGGTCTCAGCCTCTGCTTCAGCATCCTCTTCCG[C>T]TGCCTCCTCCTGCTCTGGAGAAGTGAAGCAGACAGAGTGAAGAAGCAGGCCCCACTCATG-3'
Protein context (NP_001263274.1, residues 28-48): REDEDEQEEA[Ala38Thr]EEDAEAEAET